The following is an entry in ClinVar:

NM_003560.4(PLA2G6):c.407A>G (p.His136Arg)

Gene: PLA2G6 (phospholipase A2 group VI; minus strand). Cytogenetic location: 22q13.1.
Variant type: single nucleotide variant.
Coding change: c.407A>G on transcript NM_003560.4 (MANE Select); coding-DNA position 407, A replaced by G.
Protein change: p.His136Arg; replaces histidine 136 with arginine.
Molecular consequence: missense variant. On other transcripts: 5 prime UTR variant (3).
Genome position (GRCh38, 1-based): chr22:38,145,456, T>C on the plus strand (A>G on the coding strand, the complement: PLA2G6 is on the minus strand). VCF-style: chr22-38145456-T-C. GRCh37 (hg19) VCF-style: chr22-38541463-T-C.
Other names: c.407A>G, p.His136Arg (NM_001004426.3, NM_001199562.3, NM_001349864.2 and 2 more transcripts); c.-128A>G (NM_001349867.2, NM_001349869.2); c.-84A>G (NM_001349868.2); short protein forms H136R.
Identifiers: ClinVar variation 2194290 (VCV002194290.1), dbSNP rs201339748, ClinGen allele CA10231279.

ClinVar aggregate classification (germline): Uncertain significance (1 of 4 stars; one submission).

Conditions:
Infantile neuroaxonal dystrophy (NBIA2A). Also called: NEURODEGENERATION WITH BRAIN IRON ACCUMULATION 2A; SEITELBERGER DISEASE; Infantile neuroaxonal dystrophy 1. Identifiers: Orphanet 35069, MedGen C0270724, MONDO:0024457, OMIM 256600.

Allele frequency attached by ClinVar (database versions not stated): 1000 Genomes Project 30x 0.00016; 1000 Genomes Project 0.00020; gnomAD 0.00001; ExAC 0.00002.
gnomAD v4.1: 15 of 1,609,230 alleles (0.00093%); highest among the groups gnomAD compares: African/African-American, 0.0027%; no homozygotes.

Submission:

Labcorp Genetics (formerly Invitae), Labcorp
Classification: Uncertain significance for Infantile neuroaxonal dystrophy. Last evaluated: 2022-06-23. Review status: criteria provided, single submitter. Criteria: Invitae Variant Classification Sherloc (09022015). Collection method: clinical testing. Allele origin: germline.
Comment: This sequence change replaces histidine, which is basic and polar, with arginine, which is basic and polar, at codon 136 of the PLA2G6 protein (p.His136Arg). This variant is present in population databases (rs201339748, gnomAD 0.007%). This variant has not been reported in the literature in individuals affected with PLA2G6-related conditions. Advanced modeling of protein sequence and biophysical properties (such as structural, functional, and spatial information, amino acid conservation, physicochemical variation, residue mobility, and thermodynamic stability) performed at Invitae indicates that this missense variant is not expected to disrupt PLA2G6 protein function. In summary, the available evidence is currently insufficient to determine the role of this variant in disease. Therefore, it has been classified as a Variant of Uncertain Significance.